The following is an entry in ClinVar:

NM_022893.4(BCL11A):c.43C>G (p.Arg15Gly)

Gene: BCL11A (BCL11 transcription factor A; minus strand). Cytogenetic location: 2p16.1.
Variant type: single nucleotide variant.
Coding change: c.43C>G on transcript NM_022893.4 (MANE Select); coding-DNA position 43, C replaced by G.
Protein change: p.Arg15Gly; replaces arginine 15 with glycine.
Molecular consequence: missense variant.
Genome position (GRCh38, 1-based): chr2:60,553,228, G>C on the plus strand (C>G on the coding strand, the complement: BCL11A is on the minus strand). VCF-style: chr2-60553228-G-C. GRCh37 (hg19) VCF-style: chr2-60780363-G-C.
Other names: c.43C>G, p.Arg15Gly (NM_001363864.1, NM_001365609.1, NM_018014.4 and 1 more transcripts); short protein forms R15G.
Identifiers: ClinVar variation 1698144 (VCV001698144.2), dbSNP rs2104801200, ClinGen allele CA347040144.
Genomic context (GRCh38, chr2:60,553,228, plus strand): 5'-GCTCTCGTGATTATTAATAATTATTATTACTATTATTGGGTTACTTACGCGAGAATTCCC[G>C]TTTGCTTAAGTGCTGGGGTTTGCCTTGCTTGCGGCGAGACATGGTGGGCTGCGGGGCGGG-3'
Protein context (NP_075044.2, residues 5-25): KQGKPQHLSK[Arg15Gly]EFSPEPLEAI

ClinVar aggregate classification (germline): Uncertain significance (1 of 4 stars; one submission).

Submission:

GeneDx
Classification: Uncertain significance. Last evaluated: 2022-01-20. Review status: criteria provided, single submitter. Criteria: GeneDx Variant Classification Process June 2021. Collection method: clinical testing. Allele origin: germline. Affected: yes.
Comment: Not observed at significant frequency in large population cohorts (gnomAD); In silico analysis supports that this missense variant does not alter protein structure/function; Has not been previously published as pathogenic or benign to our knowledge